The following is an entry in ClinVar:

ClinVar aggregate classification (germline): Likely pathogenic (0 of 4 stars; one submission).

Conditions:
Abnormality of the eye. Identifiers: MedGen C4316870, HP:0000478.

Submission:

NIHR Bioresource Rare Diseases, University of Cambridge
Classification: Likely pathogenic for Disorder of eye. Last evaluated: 2015-01-01. Review status: no assertion criteria provided. Collection method: research. Allele origin: unknown. Affected: yes. Observed: 1 variant allele.
Comment: Rare ocular disorder associated to additional undetermined phenotypes

Literature cited by the submitters: PubMed 28041643.

NM_001378477.3(NYX):c.921C>G (p.Asn307Lys)

Gene: NYX (nyctalopin; plus strand). Cytogenetic location: Xp11.4.
Variant type: single nucleotide variant.
Coding change: c.921C>G on transcript NM_001378477.3 (MANE Select); coding-DNA position 921, C replaced by G.
Protein change: p.Asn307Lys; replaces asparagine 307 with lysine.
Molecular consequence: missense variant.
Genome position (GRCh38, 1-based): chrX:41,474,389, C>G. VCF-style: chrX-41474389-C-G. GRCh37 (hg19) VCF-style: chrX-41333642-C-G.
Other names: c.921C>G, p.Asn307Lys (NM_022567.3); short protein forms N312K, N307K.
Identifiers: ClinVar variation 438056 (VCV000438056.2), dbSNP rs1555967263, ClinGen allele CA412991758.